The following is an entry in ClinVar:

ClinVar aggregate classification (germline): Uncertain significance. Review status: criteria provided, multiple submitters, no conflicts (2 of 4 stars). 2 submissions from 2 submitters: Uncertain significance (2). Last evaluated 2025-01-24.

Conditions:
Hypertrophic cardiomyopathy. Also called: HYPERTROPHIC MYOCARDIOPATHY. Identifiers: Orphanet 217569, MedGen C0007194, MeSH D002312, MONDO:0005045, HP:0001639.

Allele frequency attached by ClinVar (database versions not stated): gnomAD exomes 0.00001; ExAC 0.00002; gnomAD 0.00005; TOPMed 0.00007; ESP Exome Variant Server 0.00008.
gnomAD v4.1: 15 of 1,613,734 alleles (0.00093%); highest among the groups gnomAD compares: African/African-American, 0.019%; no homozygotes.

Submissions (2):

Ambry Genetics
Classification: Uncertain significance. Last evaluated: 2025-01-24. Review status: criteria provided, single submitter. Criteria: Ambry Variant Classification Scheme 2023. Collection method: clinical testing. Allele origin: germline.

Labcorp Genetics (formerly Invitae), Labcorp
Classification: Uncertain significance for Hypertrophic cardiomyopathy. Last evaluated: 2024-11-30. Review status: criteria provided, single submitter. Criteria: Invitae Variant Classification Sherloc (09022015). Collection method: clinical testing. Allele origin: germline.
Comment: This sequence change replaces threonine, which is neutral and polar, with alanine, which is neutral and non-polar, at codon 572 of the MYOM1 protein (p.Thr572Ala). This variant is present in population databases (rs370992051, gnomAD 0.02%). This variant has not been reported in the literature in individuals affected with MYOM1-related conditions. ClinVar contains an entry for this variant (Variation ID: 937676). Invitae Evidence Modeling of protein sequence and biophysical properties (such as structural, functional, and spatial information, amino acid conservation, physicochemical variation, residue mobility, and thermodynamic stability) has been performed for this missense variant. However, the output from this modeling did not meet the statistical confidence thresholds required to predict the impact of this variant on MYOM1 protein function. In summary, the available evidence is currently insufficient to determine the role of this variant in disease. Therefore, it has been classified as a Variant of Uncertain Significance.

NM_003803.4(MYOM1):c.1714A>G (p.Thr572Ala)

Gene: MYOM1 (myomesin 1; minus strand). Cytogenetic location: 18p11.31.
Variant type: single nucleotide variant.
Coding change: c.1714A>G on transcript NM_003803.4 (MANE Select); coding-DNA position 1714, A replaced by G.
Protein change: p.Thr572Ala; replaces threonine 572 with alanine.
Molecular consequence: missense variant.
Genome position (GRCh38, 1-based): chr18:3,151,823, T>C on the plus strand (A>G on the coding strand, the complement: MYOM1 is on the minus strand). VCF-style: chr18-3151823-T-C. GRCh37 (hg19) VCF-style: chr18-3151821-T-C.
Other names: c.1714A>G, p.Thr572Ala (NM_019856.2); short protein forms T572A.
Identifiers: ClinVar variation 937676 (VCV000937676.13), dbSNP rs370992051, ClinGen allele CA8874876.